The following is an entry in ClinVar:

NM_000264.5(PTCH1):c.1237C>T (p.Gln413Ter)

Gene: PTCH1 (patched 1; minus strand). Cytogenetic location: 9q22.32.
Variant type: single nucleotide variant.
Coding change: c.1237C>T on transcript NM_000264.5 (MANE Select); coding-DNA position 1237, C replaced by T.
Protein change: p.Gln413Ter; replaces glutamine 413 with a stop codon.
Molecular consequence: nonsense. On other transcripts: non-coding transcript variant (1).
Genome position (GRCh38, 1-based): chr9:95,478,165, G>A on the plus strand (C>T on the coding strand, the complement: PTCH1 is on the minus strand). VCF-style: chr9-95478165-G-A. GRCh37 (hg19) VCF-style: chr9-98240447-G-A.
Other names: c.1039C>T, p.Gln347Ter (NM_001083602.3); c.1234C>T, p.Gln412Ter (NM_001083603.3); c.784C>T, p.Gln262Ter (NM_001083604.3, NM_001083605.3, NM_001083606.3 and 1 more transcripts); c.1237C>T, p.Gln413Ter (NM_001354918.2); short protein forms Q262*, Q347*, Q412*, Q413*.
Identifiers: ClinVar variation 1072730 (VCV001072730.10), dbSNP rs2118338419, ClinGen allele CA374118934.

ClinVar aggregate classification (germline): Pathogenic. Review status: criteria provided, multiple submitters, no conflicts (2 of 4 stars). 2 submissions from 2 submitters: Pathogenic (2). Last evaluated 2022-02-28.

Conditions:
Gorlin syndrome. Also called: Basal cell nevus syndrome; Nevoid Basal Cell Carcinoma Syndrome. Identifiers: Orphanet 377, MedGen C0004779, MONDO:0007187.

Submissions (2):

Centre of Medical Genetics, University Hospital Muenster
Classification: Pathogenic. Last evaluated: 2022-02-28. Review status: criteria provided, single submitter. Criteria: ACMG Guidelines, 2015. Collection method: clinical testing. Allele origin: unknown. Affected: yes. Observed: 1 variant allele, 1 heterozygote.
Comment: ACMG categories: PVS1,PS4,PP5

Labcorp Genetics (formerly Invitae), Labcorp
Classification: Pathogenic for Gorlin syndrome. Last evaluated: 2021-08-11. Review status: criteria provided, single submitter. Criteria: Invitae Variant Classification Sherloc (09022015). Collection method: clinical testing. Allele origin: germline.
Comment: For these reasons, this variant has been classified as Pathogenic. This variant has been observed in individual(s) with basal cell nevus syndrome (PMID: 22952776). ClinVar contains an entry for this variant (Variation ID: 1072730). This variant is not present in population databases (ExAC no frequency). This sequence change creates a premature translational stop signal (p.Gln413*) in the PTCH1 gene. It is expected to result in an absent or disrupted protein product. Loss-of-function variants in PTCH1 are known to be pathogenic (PMID: 16301862, 16419085).

Literature cited by the submitters: PubMed 22952776 (cited by Labcorp Genetics (formerly Invitae), Labcorp); PubMed 16301862 (cited by Labcorp Genetics (formerly Invitae), Labcorp); PubMed 16419085 (cited by Labcorp Genetics (formerly Invitae), Labcorp).